The following is an entry in ClinVar:

ClinVar aggregate classification (germline): Uncertain significance (1 of 4 stars; one submission).

Conditions:
Familial thoracic aortic aneurysm and aortic dissection (TAAD). Also called: Thoracic aortic aneurysms and dissections. Identifiers: Orphanet 91387, MedGen C4707243, MONDO:0019625.

Submission:

Ambry Genetics
Classification: Uncertain significance for Familial thoracic aortic aneurysm and aortic dissection. Last evaluated: 2026-09-14. Review status: criteria provided, single submitter. Criteria: Ambry Variant Classification Scheme 2023. Collection method: clinical testing. Allele origin: germline.
Comment: The p.L431V variant (also known as c.1291C>G), located in coding exon 8 of the TGFBR1 gene, results from a C to G substitution at nucleotide position 1291. The leucine at codon 431 is replaced by valine, an amino acid with highly similar properties. This amino acid position is conserved. In addition, the in silico prediction for this alteration is inconclusive. Based on the available evidence, the clinical significance of this variant remains unclear.

NM_004612.4(TGFBR1):c.1291C>G (p.Leu431Val)

Gene: TGFBR1 (transforming growth factor beta receptor 1; plus strand). Cytogenetic location: 9q22.33.
Variant type: single nucleotide variant.
Coding change: c.1291C>G on transcript NM_004612.4 (MANE Select); coding-DNA position 1291, C replaced by G.
Protein change: p.Leu431Val; replaces leucine 431 with valine.
Molecular consequence: missense variant. On other transcripts: non-coding transcript variant (4).
Genome position (GRCh38, 1-based): chr9:99,147,689, C>G. VCF-style: chr9-99147689-C-G. GRCh37 (hg19) VCF-style: chr9-101909971-C-G.
Other names: c.1084C>G, p.Leu362Val (NM_001407423.1, NM_001407424.1, NM_001407425.1 and 8 more transcripts); c.1060C>G, p.Leu354Val (NM_001407435.1, NM_001130916.3); c.1045C>G, p.Leu349Val (NM_001407436.1); c.583C>G, p.Leu195Val (NM_001407437.1); c.814C>G, p.Leu272Val (NM_001407438.1); c.1303C>G, p.Leu435Val (NM_001306210.2); c.1135C>G, p.Leu379Val (NM_001407416.1); c.1123C>G, p.Leu375Val (NM_001407417.1); and 1 more; short protein forms L362V, L272V, L349V, L354V, L379V, L435V, L375V, L195V.
Identifiers: ClinVar variation 5030831 (VCV005030831.1).